The following is an entry in ClinVar:

ClinVar aggregate classification (germline): Conflicting classifications of pathogenicity. Review status: criteria provided, conflicting classifications (1 of 4 stars). 6 submissions from 6 submitters: Uncertain significance (5); Likely benign (1). Last evaluated 2026-04-06.

Conditions:
Cardiovascular phenotype. Identifiers: MedGen CN230736.
Dilated cardiomyopathy 1DD (CMD1DD). Identifiers: Orphanet 154, MedGen C2750995, MONDO:0013168, OMIM 613172.

Allele frequency attached by ClinVar (database versions not stated): gnomAD exomes 0.00004 and 0.00010; TOPMed 0.00010; 1000 Genomes Project 30x 0.00031; 1000 Genomes Project 0.00040; gnomAD 0.00004; ExAC 0.00005.
gnomAD v4.1: 67 of 1,551,748 alleles (0.0043%); highest among the groups gnomAD compares: Admixed American, 0.022%; no homozygotes.

Submissions (6):

Ambry Genetics
Classification: Uncertain significance for Cardiovascular phenotype. Last evaluated: 2026-04-06. Review status: criteria provided, single submitter. Criteria: Ambry Variant Classification Scheme 2023. Collection method: clinical testing. Allele origin: germline.
Comment: The c.2357A>G (p.D786G) alteration is located in exon 9 (coding exon 9) of the RBM20 gene. This alteration results from a A to G substitution at nucleotide position 2357, causing the aspartic acid (D) at amino acid position 786 to be replaced by a glycine (G). Based on data from gnomAD, the G allele has an overall frequency of 0.009% (17/187870) total alleles studied. The highest observed frequency was 0.016% (12/75924) of European (non-Finnish) alleles. Based on insufficient or conflicting evidence, the clinical significance of this alteration remains unclear.

Labcorp Genetics (formerly Invitae), Labcorp
Classification: Likely benign for Dilated cardiomyopathy 1DD. Last evaluated: 2026-01-27. Review status: criteria provided, single submitter. Criteria: Invitae Variant Classification Sherloc (09022015). Collection method: clinical testing. Allele origin: germline.

Molecular Diagnostic Laboratory for Inherited Cardiovascular Disease, Montreal Heart Institute
Classification: Uncertain significance for Cardiovascular phenotype. Last evaluated: 2025-04-09. Review status: criteria provided, single submitter. Criteria: ACMG Guidelines, 2015. Collection method: clinical testing. Allele origin: germline. Affected: yes.

Fulgent Genetics
Classification: Uncertain significance for Dilated cardiomyopathy 1DD. Last evaluated: 2021-08-12. Review status: criteria provided, single submitter. Criteria: ACMG Guidelines, 2015. Collection method: clinical testing. Allele origin: unknown.

Mayo Clinic Laboratories, Mayo Clinic
Classification: Uncertain significance. Last evaluated: 2021-05-05. Review status: criteria provided, single submitter. Criteria: ACMG Guidelines, 2015. Collection method: clinical testing. Allele origin: germline.

Laboratory for Molecular Medicine, Mass General Brigham Personalized Medicine
Classification: Uncertain significance. Last evaluated: 2015-08-12. Review status: criteria provided, single submitter. Criteria: LMM Criteria. Collection method: clinical testing. Allele origin: germline. Observed: 2 variant alleles.
Comment: This variant has been identified in 1/8862 Europe an chromosomes by the Exome Aggregation Consortium (ExAC; dbSNP rs561904103). Computational prediction tools and conservation an alysis do not provide strong support for or against an impact to the protein. In summary, the clinical significance of the p.Asp786Gly variant is uncertain.

NM_001134363.3(RBM20):c.2357A>G (p.Asp786Gly)

Gene: RBM20 (RNA binding motif protein 20; plus strand). Cytogenetic location: 10q25.2.
Variant type: single nucleotide variant.
Coding change: c.2357A>G on transcript NM_001134363.3 (MANE Select); coding-DNA position 2357, A replaced by G.
Protein change: p.Asp786Gly; replaces aspartic acid 786 with glycine.
Molecular consequence: missense variant.
Genome position (GRCh38, 1-based): chr10:110,812,754, A>G. VCF-style: chr10-110812754-A-G. GRCh37 (hg19) VCF-style: chr10-112572512-A-G.
Other names: short protein forms D786G.
Identifiers: ClinVar variation 165041 (VCV000165041.21), dbSNP rs561904103, ClinGen allele CA177702.